The following is an entry in ClinVar:

ClinVar aggregate classification (germline): Uncertain significance. Review status: criteria provided, single submitter (1 of 4 stars). 3 submissions from 3 submitters: Uncertain significance (1). 2 of the submissions do not count toward it. Last evaluated 2024-07-01.

Allele frequency attached by ClinVar (database versions not stated): TOPMed below 0.00001; gnomAD 0.00001; gnomAD exomes 0.00001 and 0.00002; ExAC 0.00003; 1000 Genomes Project 30x 0.00016; 1000 Genomes Project 0.00020.
gnomAD v4.1: 10 of 1,560,506 alleles (0.00064%); highest among the groups gnomAD compares: East Asian, 0.0023%; no homozygotes.

Submissions (3):

CeGaT Center for Human Genetics Tuebingen
Classification: Uncertain significance. Last evaluated: 2024-07-01. Review status: criteria provided, single submitter. Criteria: CeGaT Center For Human Genetics Tuebingen Variant Classification Criteria Version 2. Collection method: clinical testing. Allele origin: germline. Affected: yes. Observed: 1 variant allele.
Comment: SCN9A: PM2

Clinical Genetics, Academic Medical Center
Classification: Uncertain significance. Review status: no assertion criteria provided. Collection method: clinical testing. Allele origin: germline. Affected: yes. Study: VKGL Data-share Consensus. Not counted in ClinVar's aggregate classification.

Diagnostic Laboratory, Department of Genetics, University Medical Center Groningen
Classification: Uncertain significance. Review status: no assertion criteria provided. Collection method: clinical testing. Allele origin: germline. Affected: yes. Study: VKGL Data-share Consensus. Not counted in ClinVar's aggregate classification.

NM_001365536.1(SCN9A):c.2332A>G (p.Ile778Val)

Genes: SCN1A-AS1 (SCN1A and SCN9A antisense RNA 1; plus strand), SCN9A (sodium voltage-gated channel alpha subunit 9; minus strand). Cytogenetic location: 2q24.3.
Variant type: single nucleotide variant.
Coding change: c.2332A>G on transcript NM_001365536.1 (MANE Select); coding-DNA position 2332, A replaced by G.
Protein change: p.Ile778Val; replaces isoleucine 778 with valine.
Molecular consequence: missense variant.
Genome position (GRCh38, 1-based): chr2:166,280,368, T>C on the plus strand (A>G on the coding strand, the complement: SCN9A is on the minus strand). VCF-style: chr2-166280368-T-C. GRCh37 (hg19) VCF-style: chr2-167136878-T-C.
Other names: c.2299A>G, p.Ile767Val (NM_002977.4); short protein forms I767V, I778V.
Identifiers: ClinVar variation 1284450 (VCV001284450.20), dbSNP rs544352696, ClinGen allele CA1944296.
Genomic context (GRCh38, chr2:166,280,368, plus strand): 5'-CAACTAAAAAGAGAAACTATGAGTACATAACACACAATAAGAGACTTACCAAATTTCCTA[T>C]AGCAAGTACATTTTTGAATTCCTCAGTCATTGGGTGGTGTTCCATAGCCATAAATAATGT-3'
Protein context (NP_001352465.1, residues 768-788): MTEEFKNVLA[Ile778Val]GNLVFTGIFA